The following is an entry in ClinVar:

ClinVar aggregate classification (germline): Likely benign (0 of 4 stars; one submission).

Conditions:
ACTN4-related disorder. Also called: ACTN4-related condition.

Allele frequency attached by ClinVar (database versions not stated): gnomAD 0.00001; gnomAD exomes 0.00001; TOPMed 0.00001.
gnomAD v4.1: 11 of 1,522,470 alleles (0.00072%); highest among the groups gnomAD compares: Non-Finnish European, 0.00097%; no homozygotes.

Submission:

PreventionGenetics, part of Exact Sciences
Classification: Likely benign for ACTN4-related condition. Last evaluated: 2022-04-11. Review status: no assertion criteria provided. Collection method: clinical testing. Allele origin: germline.
Comment: This variant is classified as likely benign based on ACMG/AMP sequence variant interpretation guidelines (Richards et al. 2015 PMID: 25741868, with internal and published modifications).

NM_004924.6(ACTN4):c.-39G>T

Gene: ACTN4 (actinin alpha 4; plus strand). Cytogenetic location: 19q13.2.
Variant type: single nucleotide variant.
Coding change: c.-39G>T on transcript NM_004924.6 (MANE Select); 39 bases upstream of the start codon, G replaced by T.
Molecular consequence: 5 prime UTR variant.
Genome position (GRCh38, 1-based): chr19:38,647,707, G>T. VCF-style: chr19-38647707-G-T. GRCh37 (hg19) VCF-style: chr19-39138347-G-T.
Other names: c.-39G>T (NM_001322033.2, NM_001411143.1).
Identifiers: ClinVar variation 3032933 (VCV003032933.2), dbSNP rs927944565, ClinGen allele CA308128777.